The following is an entry in ClinVar:

ClinVar aggregate classification (germline): Uncertain significance (1 of 4 stars; one submission).

Conditions:
Familial juvenile hyperuricemic nephropathy type 1 (ADTKD1). Also called: Autosomal Dominant Tubulointerstitial Kidney Disease – UMOD; Glomerulocystic kidney disease with hyperuricemia and isosthenuria; Medullary cystic kidney disease 2; UMOD-Associated Kidney Disease; Uromodulin-associated kidney disease. Identifiers: Orphanet 209886, Orphanet 34149, Orphanet 88950, MedGen C4551496, MONDO:0008073, OMIM 162000.

Allele frequency attached by ClinVar (database versions not stated): gnomAD exomes 0.00001; ExAC 0.00002; gnomAD 0.00002; TOPMed 0.00002.

Submission:

Foundation for Research in Genetics and Endocrinology, FRIGE's Institute of Human Genetics
Classification: Uncertain significance for Familial juvenile hyperuricemic nephropathy type 1. Last evaluated: 2021-08-05. Review status: criteria provided, single submitter. Criteria: ACMG Guidelines, 2015. Collection method: clinical testing. Allele origin: germline. Inheritance: Autosomal dominant inheritance. Affected: yes. Observed: 1 heterozygote.
Comment: A heterozygous missense variation in exon 8 of the UMOD gene that results in the amino acid substitution of Serine for Glycine at codon 487 was detected. The observed variant c.1459G>A (p.Gly487Ser) has not been reported in the 1000 genomes and has a minor allele frequency of 0.002% in the gnomAD database. The in silico predictions of the variant are possibly damaging by PolyPhen-2 (HumDiv) and damaging by SIFT, LRT and MutationTaster2. The reference codon is conserved across species. In summary, the variant meets our criteria to be classified as a variant of uncertain significance.

NM_003361.4(UMOD):c.1360G>A (p.Gly454Ser)

Gene: UMOD (uromodulin; minus strand). Cytogenetic location: 16p12.3.
Variant type: single nucleotide variant.
Coding change: c.1360G>A on transcript NM_003361.4 (MANE Select); coding-DNA position 1360, G replaced by A.
Protein change: p.Gly454Ser; replaces glycine 454 with serine.
Molecular consequence: missense variant. On other transcripts: non-coding transcript variant (1).
Genome position (GRCh38, 1-based): chr16:20,341,308, C>T on the plus strand (G>A on the coding strand, the complement: UMOD is on the minus strand). VCF-style: chr16-20341308-C-T. GRCh37 (hg19) VCF-style: chr16-20352630-C-T.
Other names: p.Gly487Ser; c.1459G>A, p.Gly487Ser (NM_001278614.2); c.1360G>A, p.Gly454Ser (NM_001378232.1, NM_001378233.1, NM_001008389.3); c.1501G>A, p.Gly501Ser (NM_001378234.1, NM_001378235.1); short protein forms G454S, G487S, G501S.
Identifiers: ClinVar variation 1342162 (VCV001342162.6), dbSNP rs774173431, ClinGen allele CA7939166.
Genomic context (GRCh38, chr16:20,341,308, plus strand): 5'-CTTGGTAGGGCTGCGTGTAGGAAGGGGTCTGGAAGAGCGCCATCCGCACGGTGAACATGC[C>T]GGTCCCGCCCACTCTGATGTTTAGAGCACTGCCAGGGGAGAAGGGTTGGTGAGAGGACCG-3'
Protein context (NP_003352.2, residues 444-464): SALNIRVGGT[Gly454Ser]MFTVRMALFQ